The following is an entry in ClinVar:

ClinVar aggregate classification (germline): Uncertain significance (0 of 4 stars; one submission).

Conditions:
IFT172-related disorder. Also called: IFT172-related disorders; IFT172-related condition.

gnomAD v4.1: 1 of 1,613,930 alleles (0.000062%); highest among the groups gnomAD compares: Non-Finnish European, 0.000085%; no homozygotes.

Submission:

PreventionGenetics, part of Exact Sciences
Classification: Uncertain significance for IFT172-related condition. Last evaluated: 2023-12-05. Review status: no assertion criteria provided. Collection method: clinical testing. Allele origin: germline.
Comment: The IFT172 c.686T>A variant is predicted to result in the amino acid substitution p.Leu229Gln. To our knowledge, this variant has not been reported in the literature or in a large population database, indicating this variant is rare. At this time, the clinical significance of this variant is uncertain due to the absence of conclusive functional and genetic evidence.

NM_015662.3(IFT172):c.686T>A (p.Leu229Gln)

Gene: IFT172 (intraflagellar transport 172; minus strand). Cytogenetic location: 2p23.3.
Variant type: single nucleotide variant.
Coding change: c.686T>A on transcript NM_015662.3 (MANE Select); coding-DNA position 686, T replaced by A.
Protein change: p.Leu229Gln; replaces leucine 229 with glutamine.
Molecular consequence: missense variant.
Genome position (GRCh38, 1-based): chr2:27,481,145, A>T on the plus strand (T>A on the coding strand, the complement: IFT172 is on the minus strand). VCF-style: chr2-27481145-A-T. GRCh37 (hg19) VCF-style: chr2-27704012-A-T.
Other names: c.686T>A, p.Leu229Gln (NM_001410739.1); short protein forms L229Q.
Identifiers: ClinVar variation 3348109 (VCV003348109.1).